The following is an entry in ClinVar:

ClinVar aggregate classification (germline): Benign/Likely benign. Review status: criteria provided, multiple submitters, no conflicts (2 of 4 stars). 3 submissions from 3 submitters: Benign (1); Likely benign (2). Last evaluated 2024-10-04.

Conditions:
Familial cancer of breast. Also called: BREAST CANCER, FAMILIAL; Hereditary breast cancer; hereditary breast carcinoma. Identifiers: Orphanet 227535, MedGen C0346153, MONDO:0016419, OMIM 114480. Disease mechanism: loss of function.
Hereditary cancer-predisposing syndrome. Also called: Neoplastic Syndromes, Hereditary; Tumor predisposition; Hereditary neoplastic syndrome; Hereditary Cancer Syndrome. Identifiers: Orphanet 140162, MedGen C0027672, MeSH D009386, MONDO:0015356.

gnomAD v4.1: 1 of 1,614,052 alleles (0.000062%); no homozygotes.

Submissions (3):

Myriad Genetics, Inc.
Classification: Benign for Familial cancer of breast. Last evaluated: 2024-10-04. Review status: criteria provided, single submitter. Criteria: Myriad Autosomal Dominant, Autosomal Recessive and X-Linked Classification Criteria (2023). Collection method: clinical testing. Allele origin: unknown.
Comment: This variant is considered benign. This variant is a silent/synonymous amino acid change and it is not expected to impact splicing.

Ambry Genetics
Classification: Likely benign for Hereditary cancer-predisposing syndrome. Last evaluated: 2020-10-08. Review status: criteria provided, single submitter. Criteria: Ambry Variant Classification Scheme 2023. Collection method: clinical testing. Allele origin: germline.

Color Diagnostics, LLC DBA Color Health
Classification: Likely benign for Hereditary cancer-predisposing syndrome. Last evaluated: 2018-04-17. Review status: criteria provided, single submitter. Criteria: ACMG Guidelines, 2015. Collection method: clinical testing. Allele origin: germline.

NM_007194.4(CHEK2):c.942G>T (p.Val314=)

Gene: CHEK2 (checkpoint kinase 2; minus strand). Cytogenetic location: 22q12.1.
Variant type: single nucleotide variant.
Coding change: c.942G>T on transcript NM_007194.4 (MANE Select); coding-DNA position 942, G replaced by T.
Protein change: p.Val314=; no amino-acid change (valine 314 retained).
Molecular consequence: synonymous variant.
Genome position (GRCh38, 1-based): chr22:28,699,904, C>A on the plus strand (G>T on the coding strand, the complement: CHEK2 is on the minus strand). VCF-style: chr22-28699904-C-A. GRCh37 (hg19) VCF-style: chr22-29095892-C-A.
Other names: c.1071G>T, p.Val357= (NM_001005735.3); c.279G>T, p.Val93= (NM_001257387.3); c.741G>T, p.Val247= (NM_001349956.3); c.942G>T, p.Val314= (NM_145862.3).
Identifiers: ClinVar variation 628198 (VCV000628198.5), dbSNP rs1057520467, ClinGen allele CA513945044.
Genomic context (GRCh38, chr22:28,699,904, plus strand): 5'-AGCCAAGAGCATCTGGTAAAAATAGAGCTTGCAGGTAGCTTCTTTCAGGCGTTTATTCCC[C>A]ACCACTTTGTCAAACAGCTCTCCCCCTTCCATCCTGAAACACAAAGGCAAGGCAAGGGGT-3'
Protein context (NP_009125.1, residues 304-324): MEGGELFDKV[Val314=]GNKRLKEATC